The following is an entry in ClinVar:

NM_014491.4(FOXP2):c.*2253A>T

Gene: FOXP2 (forkhead box P2; plus strand). Cytogenetic location: 7q31.1.
Variant type: single nucleotide variant.
Coding change: c.*2253A>T on transcript NM_014491.4 (MANE Select); 2253 bases downstream of the stop codon, A replaced by T.
Molecular consequence: 3 prime UTR variant. On other transcripts: non-coding transcript variant (2).
Genome position (GRCh38, 1-based): chr7:114,692,179, A>T. VCF-style: chr7-114692179-A-T. GRCh37 (hg19) VCF-style: chr7-114332234-A-T.
Other names: c.*2253A>T (NM_001172766.3, NM_148898.4, NM_148900.4).
Identifiers: ClinVar variation 358653 (VCV000358653.6), dbSNP rs73210755, ClinGen allele CA4446462.
Genomic context (GRCh38, chr7:114,692,179, plus strand): 5'-TCTAGGATCCTACTGTAAGGATTATCTGAAAGGAAAAATGGGTCTTTCAGGTGCATGTTC[A>T]AAAGGCTTTGAGGGACTGGAAGTAACTGCGAGAGTTGTACCATCAGAAGGGTGGCCTAAG-3'

ClinVar aggregate classification (germline): Benign. Review status: criteria provided, multiple submitters, no conflicts (2 of 4 stars). 2 submissions from 2 submitters: Benign (2). Last evaluated 2018-01-12.

Conditions:
Childhood apraxia of speech (SPCH1). Also called: DEVELOPMENTAL VERBAL DYSPRAXIA; Speech language disorder; FOXP2-Related Speech and Language Disorder; SPEECH AND LANGUAGE DISORDER WITH OROFACIAL DYSPRAXIA. Identifiers: Orphanet 209908, MedGen C0750927, MONDO:0011184, OMIM 602081.

Allele frequency attached by ClinVar (database versions not stated): gnomAD 0.00934 and 0.00936; 1000 Genomes Project 0.00998; TOPMed 0.01048; 1000 Genomes Project 30x 0.01171; gnomAD exomes 0.01206 and 0.01230; ExAC 0.01422.
gnomAD v4.1: 5,206 of 453,910 alleles (1.1%); highest among the groups gnomAD compares: Middle Eastern, 3.6%; 56 homozygotes.

Submissions (2):

Illumina Laboratory Services, Illumina
Classification: Benign for Childhood apraxia of speech. Last evaluated: 2018-01-12. Review status: criteria provided, single submitter. Criteria: ICSL Variant Classification Criteria 13 December 2019. Collection method: clinical testing. Allele origin: germline.
Comment: This variant was observed in the ICSL laboratory as part of a predisposition screen in an ostensibly healthy population. It had not been previously curated by ICSL or reported in the Human Gene Mutation Database (HGMD: prior to June 1st, 2018), and was therefore a candidate for classification through an automated scoring system. Utilizing variant allele frequency, disease prevalence and penetrance estimates, and inheritance mode, an automated score was calculated to assess if this variant is too frequent to cause the disease. Based on the score and internal cut-off values, a variant classified as benign is not then subjected to further curation. The score for this variant resulted in a classification of benign for this disease.

Breakthrough Genomics
Classification: Benign. Review status: criteria provided, single submitter. Criteria: ACMG Guidelines, 2015. Collection method: not provided. Allele origin: germline. Inheritance: Autosomal dominant inheritance. Affected: yes.